The following is an entry in ClinVar:

ClinVar aggregate classification (germline): Pathogenic. Review status: criteria provided, multiple submitters, no conflicts (2 of 4 stars). 3 submissions from 3 submitters: Pathogenic (3). Last evaluated 2024-10-17.

Conditions:
Hereditary cancer-predisposing syndrome. Also called: Tumor predisposition; Neoplastic Syndromes, Hereditary; Hereditary Cancer Syndrome; Hereditary neoplastic syndrome. Identifiers: Orphanet 140162, MedGen C0027672, MeSH D009386, MONDO:0015356.
Familial cancer of breast. Also called: Hereditary breast cancer; BREAST CANCER, FAMILIAL; hereditary breast carcinoma. Identifiers: Orphanet 227535, MedGen C0346153, MONDO:0016419, OMIM 114480. Disease mechanism: loss of function.
Ataxia-telangiectasia syndrome (AT). Also called: ATAXIA-TELANGIECTASIA, COMPLEMENTATION GROUP A; ATAXIA-TELANGIECTASIA, FRESNO VARIANT; Ataxia-telangiectasia; Ataxia-telangiectasia, complementation group D; AT, COMPLEMENTATION GROUP C; Ataxia-telangiectasia, complementation group E. Identifiers: Orphanet 100, MedGen C0004135, MONDO:0008840, OMIM 208900.

Submissions (3):

Ambry Genetics
Classification: Pathogenic for Hereditary cancer-predisposing syndrome. Last evaluated: 2024-10-17. Review status: criteria provided, single submitter. Criteria: Ambry Variant Classification Scheme 2023. Collection method: clinical testing. Allele origin: germline.
Comment: The c.8551_8554dupGCTT pathogenic mutation, located in coding exon 57 of the ATM gene, results from a duplication of GCTT at nucleotide position 8551, causing a translational frameshift with a predicted alternate stop codon (p.Y2852Cfs*20). This variant is considered to be rare based on population cohorts in the Genome Aggregation Database (gnomAD). This alteration is expected to result in loss of function by premature protein truncation or nonsense-mediated mRNA decay. As such, this alteration is interpreted as a disease-causing mutation.

Labcorp Genetics (formerly Invitae), Labcorp
Classification: Pathogenic for Ataxia-telangiectasia syndrome. Last evaluated: 2024-05-15. Review status: criteria provided, single submitter. Criteria: Invitae Variant Classification Sherloc (09022015). Collection method: clinical testing. Allele origin: germline.
Comment: This sequence change creates a premature translational stop signal (p.Tyr2852Cysfs*20) in the ATM gene. It is expected to result in an absent or disrupted protein product. Loss-of-function variants in ATM are known to be pathogenic (PMID: 23807571, 25614872). This variant is not present in population databases (gnomAD no frequency). This variant has not been reported in the literature in individuals affected with ATM-related conditions. ClinVar contains an entry for this variant (Variation ID: 847217). For these reasons, this variant has been classified as Pathogenic.

Myriad Genetics, Inc.
Classification: Pathogenic for Familial cancer of breast. Last evaluated: 2023-08-31. Review status: criteria provided, single submitter. Criteria: Myriad Autosomal Dominant, Autosomal Recessive and X-Linked Classification Criteria (2023). Collection method: clinical testing. Allele origin: unknown.
Comment: This variant is considered pathogenic. This variant creates a frameshift predicted to result in premature protein truncation.

Literature cited by the submitters: PubMed 23807571 (cited by Labcorp Genetics (formerly Invitae), Labcorp); PubMed 25614872 (cited by Labcorp Genetics (formerly Invitae), Labcorp).

NM_000051.4(ATM):c.8551_8554dup (p.Tyr2852fs)

Genes: ATM (ATM serine/threonine kinase; plus strand), C11orf65 (chromosome 11 open reading frame 65; minus strand). Cytogenetic location: 11q22.3.
Variant type: Duplication.
Coding change: c.8551_8554dup on transcript NM_000051.4 (MANE Select); coding-DNA positions 8551 to 8554, 4 bases duplicated (GCTT; older notation c.8551_8554dupGCTT).
Protein change: p.Tyr2852fs; shifts the reading frame from tyrosine 2852.
Molecular consequence: frameshift variant. On other transcripts: intron variant (2).
Genome position (GRCh38, 1-based): chr11:108,345,875-108,345,878, GCTT duplicated. VCF-style (leftmost placement, unchanged base first): chr11-108345874-G-GGCTT. GRCh37 (hg19) VCF-style: chr11-108216601-G-GGCTT.
Other names: c.8551_8554dup, p.Tyr2852fs (NM_001351834.2); c.641-36807_641-36804dup (NM_001330368.2); c.695-10586_695-10583dup (NM_001351110.2); c.8551_8554dupGCTT (NM_000051.3); short protein forms Y2852fs.
Identifiers: ClinVar variation 847217 (VCV000847217.11), dbSNP rs2088299549, ClinGen allele CA916080494.